The following is an entry in ClinVar:

ClinVar aggregate classification (germline): Uncertain significance. Review status: criteria provided, multiple submitters, no conflicts (2 of 4 stars). 2 submissions from 2 submitters: Uncertain significance (2). Last evaluated 2024-10-25.

Conditions:
Meckel-Gruber syndrome. Also called: GRUBER SYNDROME; DYSENCEPHALIA SPLANCHNOCYSTICA; Dysencephalia splachnocystica. Identifiers: Orphanet 564, MedGen C0265215, MONDO:0018921.
Nephronophthisis. Also called: Juvenile Nephronophthisis. Identifiers: Orphanet 655, MedGen C0687120, MONDO:0019005, HP:0000090.
Joubert syndrome. Also called: JOUBERT-BOLTSHAUSER SYNDROME; Familial aplasia of the vermis. Identifiers: Orphanet 475, MedGen C5979921, MONDO:0018772.

Allele frequency attached by ClinVar (database versions not stated): gnomAD 0.00001; ExAC 0.00002; gnomAD exomes 0.00002.
gnomAD v4.1: 36 of 1,613,766 alleles (0.0022%); highest among the groups gnomAD compares: South Asian, 0.0088%; no homozygotes.

Submissions (2):

Labcorp Genetics (formerly Invitae), Labcorp
Classification: Uncertain significance for Joubert syndrome; Meckel-Gruber syndrome; Nephronophthisis. Last evaluated: 2024-10-25. Review status: criteria provided, single submitter. Criteria: Invitae Variant Classification Sherloc (09022015). Collection method: clinical testing. Allele origin: germline.
Comment: This sequence change replaces arginine, which is basic and polar, with glutamine, which is neutral and polar, at codon 1272 of the CEP290 protein (p.Arg1272Gln). This variant is present in population databases (rs775753103, gnomAD 0.007%). This variant has not been reported in the literature in individuals affected with CEP290-related conditions. ClinVar contains an entry for this variant (Variation ID: 2151381). Invitae Evidence Modeling of protein sequence and biophysical properties (such as structural, functional, and spatial information, amino acid conservation, physicochemical variation, residue mobility, and thermodynamic stability) indicates that this missense variant is expected to disrupt CEP290 protein function with a positive predictive value of 80%. In summary, the available evidence is currently insufficient to determine the role of this variant in disease. Therefore, it has been classified as a Variant of Uncertain Significance.

Blueprint Genetics
Classification: Uncertain significance. Last evaluated: 2023-05-16. Review status: criteria provided, single submitter. Criteria: ACMG Guidelines, 2015. Collection method: clinical testing. Allele origin: germline.

NM_025114.4(CEP290):c.3815G>A (p.Arg1272Gln)

Gene: CEP290 (centrosomal protein 290; minus strand). Cytogenetic location: 12q21.32.
Variant type: single nucleotide variant.
Coding change: c.3815G>A on transcript NM_025114.4 (MANE Select); coding-DNA position 3815, G replaced by A.
Protein change: p.Arg1272Gln; replaces arginine 1272 with glutamine.
Molecular consequence: missense variant.
Genome position (GRCh38, 1-based): chr12:88,089,246, C>T on the plus strand (G>A on the coding strand, the complement: CEP290 is on the minus strand). VCF-style: chr12-88089246-C-T. GRCh37 (hg19) VCF-style: chr12-88483023-C-T.
Other names: short protein forms R1272Q.
Identifiers: ClinVar variation 2151381 (VCV002151381.4), dbSNP rs775753103, ClinGen allele CA6712077.